The following is an entry in ClinVar:

ClinVar aggregate classification (germline): Uncertain significance (1 of 4 stars; one submission).

gnomAD v4.1: 2 of 1,610,462 alleles (0.00012%); highest among the groups gnomAD compares: Non-Finnish European, 0.00017%; no homozygotes.

Submission:

GeneDx
Classification: Uncertain significance. Last evaluated: 2024-06-13. Review status: criteria provided, single submitter. Criteria: GeneDx Variant Classification Process June 2021. Collection method: clinical testing. Allele origin: germline. Affected: yes.
Comment: Not observed at significant frequency in large population cohorts (gnomAD); In silico analysis supports that this missense variant does not alter protein structure/function; Has not been previously published as pathogenic or benign to our knowledge

NM_014712.3(SETD1A):c.4268A>G (p.Gln1423Arg)

Gene: SETD1A (SET domain containing 1A, histone lysine methyltransferase; plus strand). Cytogenetic location: 16p11.2.
Variant type: single nucleotide variant.
Coding change: c.4268A>G on transcript NM_014712.3 (MANE Select); coding-DNA position 4268, A replaced by G.
Protein change: p.Gln1423Arg; replaces glutamine 1423 with arginine.
Molecular consequence: missense variant.
Genome position (GRCh38, 1-based): chr16:30,980,054, A>G. VCF-style: chr16-30980054-A-G. GRCh37 (hg19) VCF-style: chr16-30991375-A-G.
Other names: short protein forms Q1423R.
Identifiers: ClinVar variation 3390597 (VCV003390597.1).
Genomic context (GRCh38, chr16:30,980,054, plus strand): 5'-CTCCGCCCCCACCCCCGCCGCCACCGCCCCGCGCCTACGAGCCACGCAGTGAGTTTGAAC[A>G]GATGACCATCCTGTATGACATTTGGAACTCGGGCCTGGACTCAGAGGACATGAGTTACCT-3'
Protein context (NP_055527.1, residues 1413-1433): RAYEPRSEFE[Gln1423Arg]MTILYDIWNS